The following is an entry in ClinVar:

NM_004369.4(COL6A3):c.3129C>T (p.Gly1043=)

Gene: COL6A3 (collagen type VI alpha 3 chain; minus strand). Cytogenetic location: 2q37.3.
Variant type: single nucleotide variant.
Coding change: c.3129C>T on transcript NM_004369.4 (MANE Select); coding-DNA position 3129, C replaced by T.
Protein change: p.Gly1043=; no amino-acid change (glycine 1043 retained).
Molecular consequence: synonymous variant.
Genome position (GRCh38, 1-based): chr2:237,374,962, G>A on the plus strand (C>T on the coding strand, the complement: COL6A3 is on the minus strand). VCF-style: chr2-237374962-G-A. GRCh37 (hg19) VCF-style: chr2-238283605-G-A.
Other names: p.Gly1043=; c.1908C>T, p.Gly636= (NM_057164.5); c.2511C>T, p.Gly837= (NM_057165.5, NM_057167.4); c.1308C>T, p.Gly436= (NM_057166.5).
Identifiers: ClinVar variation 94921 (VCV000094921.32), dbSNP rs12622093, ClinGen allele CA147944.

ClinVar aggregate classification (germline): Benign/Likely benign. Review status: criteria provided, multiple submitters, no conflicts (2 of 4 stars). 15 submissions from 13 submitters: Benign (12); Likely benign (1). 2 of the submissions do not count toward it. Last evaluated 2026-02-04.

Conditions:
Ullrich congenital muscular dystrophy 1A. Also called: Intermediate COL6-RD; Ullrich congenital muscular dystrophy 1. Identifiers: Orphanet 75840, MedGen C0410179, MONDO:0009681, OMIM 254090.
Dystonia 27 (DYT27). Identifiers: Orphanet 464440, MedGen C4225336, MONDO:0014627, OMIM 616411.
Collagen 6-related myopathy. Identifiers: MedGen CN117976, MONDO:0100225.
Bethlem myopathy 1A. Also called: MYOPATHY, BENIGN CONGENITAL, WITH CONTRACTURES; Bethlem Muscular Dystrophy; Bethlem myopathy 1. Identifiers: Orphanet 610, MedGen CN029274, MONDO:0024530, OMIM 158810.

Allele frequency attached by ClinVar (database versions not stated): ESP Exome Variant Server 0.19806; TOPMed 0.20391; gnomAD 0.20507 and 0.20886; 1000 Genomes Project 0.21585; 1000 Genomes Project 30x 0.21674; ExAC 0.23271; gnomAD exomes 0.23401 and 0.24011.
gnomAD v4.1: 382,079 of 1,613,658 alleles (24%); highest among the groups gnomAD compares: East Asian, 26%; 46,183 homozygotes.

Submissions (15):

Labcorp Genetics (formerly Invitae), Labcorp
Classification: Benign for Bethlem myopathy 1A. Last evaluated: 2026-02-04. Review status: criteria provided, single submitter. Criteria: Invitae Variant Classification Sherloc (09022015). Collection method: clinical testing. Allele origin: germline.

Blueprint Genetics
Classification: Likely benign. Last evaluated: 2024-11-26. Review status: criteria provided, single submitter. Criteria: ACMG Guidelines, 2015. Collection method: clinical testing. Allele origin: germline.

Unidad de Genómica Garrahan, Hospital de Pediatría Garrahan
Classification: Benign. Last evaluated: 2024-07-31. Review status: criteria provided, single submitter. Criteria: ACMG Guidelines, 2015. Collection method: clinical testing. Allele origin: germline. Affected: no. Observed: 41 variant alleles.
Comment: This variant is classified as Benign based on local population frequency. This variant was detected in 44% of patients studied in a panel designed for Epileptic and Developmental Encephalopathy, Progressive Myoclonus Epilepsy and Abnormal Movements and Neurodegeneration with brain iron accumulation. Number of patients: 41. Only high quality variants are reported.

Genome-Nilou Lab
Classification: Benign for Bethlem myopathy 1A. Last evaluated: 2021-07-30. Review status: criteria provided, single submitter. Criteria: ACMG Guidelines, 2015. Collection method: clinical testing. Allele origin: germline. Affected: no.

Genome-Nilou Lab
Classification: Benign for Dystonia 27. Last evaluated: 2021-07-30. Review status: criteria provided, single submitter. Criteria: ACMG Guidelines, 2015. Collection method: clinical testing. Allele origin: germline. Affected: no.

Genome-Nilou Lab
Classification: Benign for Ullrich congenital muscular dystrophy 1A. Last evaluated: 2021-07-30. Review status: criteria provided, single submitter. Criteria: ACMG Guidelines, 2015. Collection method: clinical testing. Allele origin: germline. Affected: no.

Illumina Laboratory Services, Illumina
Classification: Benign for Collagen VI-related myopathy. Last evaluated: 2018-01-13. Review status: criteria provided, single submitter. Criteria: ICSL Variant Classification Criteria 13 December 2019. Collection method: clinical testing. Allele origin: germline.
Comment: This variant was observed in the ICSL laboratory as part of a predisposition screen in an ostensibly healthy population. It had not been previously curated by ICSL or reported in the Human Gene Mutation Database (HGMD: prior to June 1st, 2018), and was therefore a candidate for classification through an automated scoring system. Utilizing variant allele frequency, disease prevalence and penetrance estimates, and inheritance mode, an automated score was calculated to assess if this variant is too frequent to cause the disease. Based on the score and internal cut-off values, a variant classified as benign is not then subjected to further curation. The score for this variant resulted in a classification of benign for this disease.

Mayo Clinic Laboratories, Mayo Clinic
Classification: Benign. Last evaluated: 2017-07-19. Review status: criteria provided, single submitter. Criteria: ACMG Guidelines, 2015. Collection method: clinical testing. Allele origin: germline. Observed: 310 variant alleles.

GeneDx
Classification: Benign. Last evaluated: 2016-01-26. Review status: criteria provided, single submitter. Criteria: GeneDx Variant Classification (06012015). Collection method: clinical testing. Allele origin: germline. Affected: yes.
Comment: This variant is considered likely benign or benign based on one or more of the following criteria: it is a conservative change, it occurs at a poorly conserved position in the protein, it is predicted to be benign by multiple in silico algorithms, and/or has population frequency not consistent with disease.

Genetic Services Laboratory, University of Chicago
Classification: Benign for AllHighlyPenetrant. Last evaluated: 2013-08-15. Review status: criteria provided, single submitter. Criteria: ACMG Guidelines, 2007. Collection method: clinical testing. Allele origin: germline.

Eurofins Ntd Llc (ga)
Classification: Benign. Last evaluated: 2012-07-31. Review status: criteria provided, single submitter. Criteria: EGL Classification Definitions 2015. Collection method: clinical testing. Allele origin: germline. Observed: 36 variant alleles, 32 heterozygotes, 4 homozygotes.

Breakthrough Genomics
Classification: Benign. Review status: criteria provided, single submitter. Criteria: ACMG Guidelines, 2015. Collection method: not provided. Allele origin: germline. Inheritance: Autosomal recessive inheritance. Affected: yes.

PreventionGenetics, part of Exact Sciences
Classification: Benign. Review status: criteria provided, single submitter. Criteria: ACMG Guidelines, 2015. Collection method: clinical testing. Allele origin: germline.

Clinical Genetics, Academic Medical Center
Classification: Benign. Review status: no assertion criteria provided. Collection method: clinical testing. Allele origin: germline. Affected: yes. Study: VKGL Data-share Consensus. Not counted in ClinVar's aggregate classification.

Joint Genome Diagnostic Labs from Nijmegen and Maastricht, Radboudumc and MUMC+
Classification: Benign. Review status: no assertion criteria provided. Collection method: clinical testing. Allele origin: germline. Affected: yes. Study: VKGL Data-share Consensus. Not counted in ClinVar's aggregate classification.